The following is an entry in ClinVar:

ClinVar aggregate classification (germline): Uncertain significance (1 of 4 stars; one submission).

Allele frequency attached by ClinVar (database versions not stated): gnomAD exomes 0.00001 and 0.00002; ExAC 0.00002.
gnomAD v4.1: 17 of 1,614,132 alleles (0.0011%); highest among the groups gnomAD compares: South Asian, 0.019%; 1 homozygote.

Submission:

GeneDx
Classification: Uncertain significance. Last evaluated: 2025-05-06. Review status: criteria provided, single submitter. Criteria: GeneDx Variant Classification Process June 2021. Collection method: clinical testing. Allele origin: germline. Affected: yes.
Comment: Observed in homozygous state in siblings from a cohort with primary microcephaly in the literature; however, they were also homozygous for another CEP152 variant (PMID: 22775483); Not observed at significant frequency in large population cohorts (gnomAD); In silico analysis supports that this missense variant has a deleterious effect on protein structure/function; This variant is associated with the following publications: (PMID: 22775483)

NM_001194998.2(CEP152):c.3149T>C (p.Leu1050Pro)

Gene: CEP152 (centrosomal protein 152; minus strand). Cytogenetic location: 15q21.1.
Variant type: single nucleotide variant.
Coding change: c.3149T>C on transcript NM_001194998.2 (MANE Select); coding-DNA position 3149, T replaced by C.
Protein change: p.Leu1050Pro; replaces leucine 1050 with proline.
Molecular consequence: missense variant.
Genome position (GRCh38, 1-based): chr15:48,756,099, A>G on the plus strand (T>C on the coding strand, the complement: CEP152 is on the minus strand). VCF-style: chr15-48756099-A-G. GRCh37 (hg19) VCF-style: chr15-49048296-A-G.
Other names: c.3149T>C, p.Leu1050Pro (NM_014985.4); c.3149T>C (NM_014985.3); short protein forms L1050P.
Identifiers: ClinVar variation 446480 (VCV000446480.2), dbSNP rs398122977.
Genomic context (GRCh38, chr15:48,756,099, plus strand): 5'-AGCTGCTTGTCCTCAGAATCACTGATGTGCTCCTTTTGGGTATCACTTAAAAGAACCCCA[A>G]GTACAGTCAGGATGTCTTCCTCATACTGATAGATTTCCAGTTGGATCCGCTTGGCTTCCT-3'
Protein context (NP_001181927.1, residues 1040-1060): YQYEEDILTV[Leu1050Pro]GVLLSDTQKE